The following is an entry in ClinVar:

NM_152564.5(VPS13B):c.695G>A (p.Cys232Tyr)

Gene: VPS13B (vacuolar protein sorting 13 homolog B; plus strand). Cytogenetic location: 8q22.2.
Variant type: single nucleotide variant.
Coding change: c.695G>A on transcript NM_152564.5 (MANE Select); coding-DNA position 695, G replaced by A.
Protein change: p.Cys232Tyr; replaces cysteine 232 with tyrosine.
Molecular consequence: missense variant. On other transcripts: non-coding transcript variant (1).
Genome position (GRCh38, 1-based): chr8:99,111,212, G>A. VCF-style: chr8-99111212-G-A. GRCh37 (hg19) VCF-style: chr8-100123440-G-A.
Other names: c.695G>A, p.Cys232Tyr (NM_015243.3, NM_017890.5, NM_181661.3); short protein forms C232Y.
Identifiers: ClinVar variation 4999596 (VCV004999596.1).

ClinVar aggregate classification (germline): Uncertain significance (1 of 4 stars; one submission).

Conditions:
VPS13B-related disorder. Also called: VPS13B-related condition.

gnomAD v4.1: 1 of 1,602,752 alleles (0.000062%); highest among the groups gnomAD compares: Non-Finnish European, 0.000085%; no homozygotes.

Submission:

PreventionGenetics, part of Exact Sciences
Classification: Uncertain significance for VPS13B-related condition. Last evaluated: 2025-01-08. Review status: criteria provided, single submitter. Criteria: ACMG Guidelines, 2015. Collection method: clinical testing. Allele origin: germline.
Comment: The VPS13B c.695G>A variant is predicted to result in the amino acid substitution p.Cys232Tyr. To our knowledge, this variant has not been reported in the literature or in a large population database (gnomAD), indicating this variant is rare. At this time, the clinical significance of this variant is uncertain due to the absence of conclusive functional and genetic evidence.